The following is an entry in ClinVar:

NM_001130009.3(GEN1):c.1678A>T (p.Ser560Cys)

Gene: GEN1 (GEN1 Holliday junction 5' flap endonuclease; plus strand). Cytogenetic location: 2p24.2.
Variant type: single nucleotide variant.
Coding change: c.1678A>T on transcript NM_001130009.3 (MANE Select); coding-DNA position 1678, A replaced by T.
Protein change: p.Ser560Cys; replaces serine 560 with cysteine.
Molecular consequence: missense variant.
Genome position (GRCh38, 1-based): chr2:17,780,890, A>T. VCF-style: chr2-17780890-A-T. GRCh37 (hg19) VCF-style: chr2-17962157-A-T.
Other names: c.1678A>T, p.Ser560Cys (NM_182625.5); short protein forms S560C.
Identifiers: ClinVar variation 4029337 (VCV004029337.1).

ClinVar aggregate classification (germline): Uncertain significance (1 of 4 stars; one submission).

Submission:

Ambry Genetics
Classification: Uncertain significance. Last evaluated: 2025-06-08. Review status: criteria provided, single submitter. Criteria: Ambry Variant Classification Scheme 2023. Collection method: clinical testing. Allele origin: germline.
Comment: The p.S560C variant (also known as c.1678A>T), located in coding exon 13 of the GEN1 gene, results from an A to T substitution at nucleotide position 1678. The serine at codon 560 is replaced by cysteine, an amino acid with dissimilar properties. This amino acid position is conserved. In addition, this alteration is predicted to be tolerated by in silico analysis. Based on the available evidence, the clinical significance of this variant remains unclear.